The following is an entry in ClinVar:

NM_001023570.4(IQCB1):c.601A>T (p.Arg201Ter)

Gene: IQCB1 (IQ motif containing B1; minus strand). Cytogenetic location: 3q13.33.
Variant type: single nucleotide variant.
Coding change: c.601A>T on transcript NM_001023570.4 (MANE Select); coding-DNA position 601, A replaced by T.
Protein change: p.Arg201Ter; replaces arginine 201 with a stop codon.
Molecular consequence: nonsense. On other transcripts: non-coding transcript variant (1), intron variant (1).
Genome position (GRCh38, 1-based): chr3:121,799,361, T>A on the plus strand (A>T on the coding strand, the complement: IQCB1 is on the minus strand). VCF-style: chr3-121799361-T-A. GRCh37 (hg19) VCF-style: chr3-121518208-T-A.
Other names: c.601A>T, p.Arg201Ter (NM_001319107.2); c.587+7983A>T (NM_001023571.4); short protein forms R201*.
Identifiers: ClinVar variation 1430806 (VCV001430806.6), dbSNP rs2108571563, ClinGen allele CA354102131.

ClinVar aggregate classification (germline): Pathogenic (1 of 4 stars; one submission).

Conditions:
Nephronophthisis. Also called: Juvenile Nephronophthisis. Identifiers: Orphanet 655, MedGen C0687120, MONDO:0019005, HP:0000090.

Submission:

Labcorp Genetics (formerly Invitae), Labcorp
Classification: Pathogenic for Nephronophthisis. Last evaluated: 2022-10-17. Review status: criteria provided, single submitter. Criteria: Invitae Variant Classification Sherloc (09022015). Collection method: clinical testing. Allele origin: germline.
Comment: For these reasons, this variant has been classified as Pathogenic. ClinVar contains an entry for this variant (Variation ID: 1430806). This variant has not been reported in the literature in individuals affected with IQCB1-related conditions. This variant is not present in population databases (gnomAD no frequency). This sequence change creates a premature translational stop signal (p.Arg201*) in the IQCB1 gene. It is expected to result in an absent or disrupted protein product. Loss-of-function variants in IQCB1 are known to be pathogenic (PMID: 15723066, 21901789, 23559409, 28041643).

Literature cited by the submitters: PubMed 15723066; PubMed 21901789; PubMed 23559409; PubMed 28041643.